The following is an entry in ClinVar:

ClinVar aggregate classification (germline): Likely benign (1 of 4 stars; one submission).

Submission:

CeGaT Center for Human Genetics Tuebingen
Classification: Likely benign. Last evaluated: 2026-02-01. Review status: criteria provided, single submitter. Criteria: CeGaT Center For Human Genetics Tuebingen Variant Classification Criteria Version 2. Collection method: clinical testing. Allele origin: germline. Affected: yes. Observed: 1 variant allele.
Comment: DCHS1: PM2:Supporting, BP4, BP7

NM_003737.4(DCHS1):c.612A>T (p.Val204=)

Gene: DCHS1 (dachsous cadherin-related 1; minus strand). Cytogenetic location: 11p15.4.
Variant type: single nucleotide variant.
Coding change: c.612A>T on transcript NM_003737.4 (MANE Select); coding-DNA position 612, A replaced by T.
Protein change: p.Val204=; no amino-acid change (valine 204 retained).
Molecular consequence: synonymous variant.
Genome position (GRCh38, 1-based): chr11:6,641,002, T>A on the plus strand (A>T on the coding strand, the complement: DCHS1 is on the minus strand). VCF-style: chr11-6641002-T-A. GRCh37 (hg19) VCF-style: chr11-6662233-T-A.
Identifiers: ClinVar variation 4821764 (VCV004821764.4).